The following is an entry in ClinVar:

ClinVar aggregate classification (germline): Uncertain significance. Review status: criteria provided, single submitter (1 of 4 stars). 2 submissions from 2 submitters: Uncertain significance (1). 1 of the submissions does not count toward it. Last evaluated 2025-04-18.

Conditions:
Progressive sclerosing poliodystrophy (MTDPS4A). Also called: Mitochondrial DNA depletion syndrome 4A (Alpers type); ALPERS PROGRESSIVE INFANTILE POLIODYSTROPHY; NEURONAL DEGENERATION OF CHILDHOOD WITH LIVER DISEASE, PROGRESSIVE; Mitochondrial DNA Depletion Syndrome 4A; Alpers-Huttenlocher Syndrome (AHS); Alpers Syndrome. Identifiers: Orphanet 726, MedGen C0205710, MONDO:0008758, OMIM 203700.

Allele frequency attached by ClinVar (database versions not stated): gnomAD 0.00001.
gnomAD v4.1: 2 of 1,606,678 alleles (0.00012%); highest among the groups gnomAD compares: Non-Finnish European, 0.00017%; no homozygotes.

Submissions (2):

Labcorp Genetics (formerly Invitae), Labcorp
Classification: Uncertain significance for Progressive sclerosing poliodystrophy. Last evaluated: 2025-04-18. Review status: criteria provided, single submitter. Criteria: Invitae Variant Classification Sherloc (09022015). Collection method: clinical testing. Allele origin: germline.
Comment: This sequence change replaces tryptophan, which is neutral and slightly polar, with arginine, which is basic and polar, at codon 113 of the POLG protein (p.Trp113Arg). This variant is not present in population databases (gnomAD no frequency). This variant has not been reported in the literature in individuals affected with POLG-related conditions. ClinVar contains an entry for this variant (Variation ID: 1466192). Invitae Evidence Modeling of protein sequence and biophysical properties (such as structural, functional, and spatial information, amino acid conservation, physicochemical variation, residue mobility, and thermodynamic stability) indicates that this missense variant is expected to disrupt POLG protein function with a positive predictive value of 95%. In summary, the available evidence is currently insufficient to determine the role of this variant in disease. Therefore, it has been classified as a Variant of Uncertain Significance.

Clinical Genetics Unit, University of Padua
Classification: Uncertain significance. Last evaluated: 2024-07-25. Review status: no assertion criteria provided. Collection method: clinical testing. Allele origin: maternal. Affected: yes. Observed: 2 variant alleles. Not counted in ClinVar's aggregate classification.
Comment: Variant c.337T>A p.(W113R) presents with a minimal allele frequency (MAF) of 1:205.000 in the European population (gnomAD v.4.1.0non-UKB) and was not found in the literature in association with disease. Segregation studies confirmed the variant is associated to the disease phenotype in in compound heterozigosity with a known pathogenic variant. The variant affects an highly conserved residue and several in silico tools predict a pathogenic effect for this amino acid substitution, although the consensus about the deleterious effect was not unanimous.

NM_002693.3(POLG):c.337T>A (p.Trp113Arg)

Genes: POLG (DNA polymerase gamma, catalytic subunit; minus strand), POLGARF (POLG alternative reading frame; minus strand). Cytogenetic location: 15q26.1.
Variant type: single nucleotide variant.
Coding change: c.337T>A on transcript NM_002693.3 (MANE Select); coding-DNA position 337, T replaced by A.
Protein change: p.Trp113Arg; replaces tryptophan 113 with arginine.
Molecular consequence: missense variant.
Genome position (GRCh38, 1-based): chr15:89,333,418, A>T on the plus strand (T>A on the coding strand, the complement: POLG is on the minus strand). VCF-style: chr15-89333418-A-T. GRCh37 (hg19) VCF-style: chr15-89876649-A-T.
Other names: c.337T>A, p.Trp113Arg (NM_001126131.2); c.337T>A (NM_002693.2); short protein forms W113R.
Identifiers: ClinVar variation 1466192 (VCV001466192.9), dbSNP rs746450616, ClinGen allele CA393772568.
Genomic context (GRCh38, chr15:89,333,418, plus strand): 5'-CCCCGTAGAGGGGCGGCAGGCGCAGCTCCACGTCGGGCAAGGGCACGGCTGGCTGCCCCC[A>T]GAGCCCGTGCTTCTGCAGGTGCTCGACGCTGCGGCGCACCGCGGCCTCGCCAGGCATCTC-3'
Protein context (NP_002684.1, residues 103-123): SVEHLQKHGL[Trp113Arg]GQPAVPLPDV